The following is an entry in ClinVar:

ClinVar aggregate classification (germline): Uncertain significance (1 of 4 stars; one submission).

Conditions:
Odontochondrodysplasia 2 with hearing loss and diabetes. Also called: Ondontochondrodysplasia 2 with hearing loss and diabetes. Identifiers: MedGen C5543275, MONDO:0031010, OMIM 619269.

gnomAD v4.1: 4 of 1,542,778 alleles (0.00026%); highest among the groups gnomAD compares: East Asian, 0.0068%; no homozygotes.

Submission:

Juno Genomics, Hangzhou Juno Genomics, Inc
Classification: Uncertain significance for Odontochondrodysplasia 2 with hearing loss and diabetes. Review status: criteria provided, single submitter. Criteria: ACMG Guidelines, 2015. Collection method: clinical testing. Allele origin: germline.
Comment: Absent from controls (or at extremely low frequency if recessive) in Genome Aggregation Database.;Multiple lines of computational evidence suggest no impact on gene or gene product.

NM_198551.4(MIA3):c.274C>G (p.Arg92Gly)

Gene: MIA3 (MIA SH3 domain ER export factor 3; plus strand). Cytogenetic location: 1q41.
Variant type: single nucleotide variant.
Coding change: c.274C>G on transcript NM_198551.4 (MANE Select); coding-DNA position 274, C replaced by G.
Protein change: p.Arg92Gly; replaces arginine 92 with glycine.
Molecular consequence: missense variant. On other transcripts: 5 prime UTR variant (1).
Genome position (GRCh38, 1-based): chr1:222,624,774, C>G. VCF-style: chr1-222624774-C-G. GRCh37 (hg19) VCF-style: chr1-222798116-C-G.
Other names: c.274C>G, p.Arg92Gly (NM_001324062.2, NM_001324063.2); c.-219C>G (NM_001324064.2); short protein forms R92G.
Identifiers: ClinVar variation 5006144 (VCV005006144.2).